The following is an entry in ClinVar:

ClinVar aggregate classification (germline): Pathogenic. Review status: criteria provided, multiple submitters, no conflicts (2 of 4 stars). 5 submissions from 5 submitters: Pathogenic (5). Last evaluated 2026-01-06.

Conditions:
Cardiovascular phenotype. Identifiers: MedGen CN230736.
Hereditary cancer-predisposing syndrome. Also called: Neoplastic Syndromes, Hereditary; Tumor predisposition; Hereditary neoplastic syndrome; Hereditary Cancer Syndrome. Identifiers: Orphanet 140162, MedGen C0027672, MeSH D009386, MONDO:0015356.
LZTR1-related schwannomatosis. Also called: Schwannomatosis 2; Schwannomatosis-2, susceptibility to. Identifiers: Orphanet 93921, MedGen C3810283, MONDO:0014299, OMIM 615670.
Noonan syndrome 2 (NS2). Identifiers: Orphanet 648, MedGen C1854469, MONDO:0011531, OMIM 605275.

Allele frequency attached by ClinVar (database versions not stated): gnomAD exomes below 0.00001; TOPMed 0.00001; gnomAD 0.00001.

Submissions (5):

Variantyx, Inc.
Classification: Pathogenic for Noonan syndrome 2. Last evaluated: 2026-01-06. Review status: criteria provided, single submitter. Criteria: Variantyx Assertion Criteria 2022. Collection method: clinical testing. Allele origin: germline. Inheritance: Autosomal recessive inheritance. Affected: yes.
Comment: This is a frameshift variant in the LZTR1 gene (OMIM: 600574). Pathogenic variants in this gene have been associated with autosomal recessive Noonan syndrome 2. This variant introduces a premature termination codon in exon 2 out of 21 and is expected to result in loss of function, which is a known disease mechanism for LZTR1 in this disorder (PVS1). It has a 0.0004% maximum allele frequency in non-founder control populations (PM2). Based on the current evidence, this variant is classified as pathogenic for autosomal recessive Noonan syndrome 2. This variant has been reported in the heterozygous state in at least one unrelated affected individuals with schwannomatosis (PMID:31980526).

Labcorp Genetics (formerly Invitae), Labcorp
Classification: Pathogenic. Last evaluated: 2025-12-31. Review status: criteria provided, single submitter. Criteria: Invitae Variant Classification Sherloc (09022015). Collection method: clinical testing. Allele origin: germline.
Comment: This sequence change creates a premature translational stop signal (p.Ile80Asnfs*15) in the LZTR1 gene. It is expected to result in an absent or disrupted protein product. Loss-of-function variants in LZTR1 are known to be pathogenic (PMID: 24362817, 25335493, 25480913, 25795793, 29469822, 30368668, 30442762, 30442766, 30481304, 30859559). This variant is not present in population databases (gnomAD no frequency). This premature translational stop signal has been observed in individual(s) with LZTR1-related conditions (PMID: 24362817). ClinVar contains an entry for this variant (Variation ID: 2457590). For these reasons, this variant has been classified as Pathogenic.

GeneDx
Classification: Pathogenic. Last evaluated: 2024-08-19. Review status: criteria provided, single submitter. Criteria: GeneDx Variant Classification Process June 2021. Collection method: clinical testing. Allele origin: germline. Affected: yes.
Comment: Frameshift variant predicted to result in protein truncation or nonsense mediated decay in a gene for which loss of function is a known mechanism of disease; Not observed at significant frequency in large population cohorts (gnomAD); This variant is associated with the following publications: (PMID: 31980526, 24362817)

Baylor Genetics
Classification: Pathogenic for LZTR1-related schwannomatosis. Last evaluated: 2023-12-21. Review status: criteria provided, single submitter. Criteria: ACMG Guidelines, 2015. Collection method: clinical testing. Allele origin: unknown.

Ambry Genetics
Classification: Pathogenic for Cardiovascular phenotype; Hereditary cancer-predisposing syndrome. Last evaluated: 2023-02-06. Review status: criteria provided, single submitter. Criteria: Ambry Variant Classification Scheme 2023. Collection method: clinical testing. Allele origin: germline.
Comment: The c.238dupA pathogenic mutation, located in coding exon 2 of the LZTR1 gene, results from a duplication of A at nucleotide position 238, causing a translational frameshift with a predicted alternate stop codon (p.I80Nfs*15). This mutation has been reported in an individual with two schwannomas whose tumors both demonstrated loss of heterozygosity (LOH) of LZTR1 (Piotrowski A et al. Nat Genet, 2014 Feb;46:182-7). In addition to the clinical data presented in the literature, this alteration is expected to result in loss of function by premature protein truncation or nonsense-mediated mRNA decay. Loss-of-function variants in LZTR1 are related to an increased risk for schwannomas and autosomal recessive Noonan syndrome; however, such associations with autosomal dominant Noonan syndrome have not been observed (Piotrowski A et al. Nat Genet. 2014 Feb;46:182-7; Yamamoto GL et al. J Med Genet. 2015 Jun;52:413-21; Johnston JJ et al. Genet Med. 2018 10;20:1175-1185). Based on the supporting evidence, this variant is pathogenic for an increased risk of LZTR1-related schwannomatosis (SWN) and would be expected to cause autosomal recessive Noonan syndrome when present along with a second pathogenic or likely pathogenic variant on the other allele; however, the association of this alteration with autosomal dominant Noonan syndrome is unlikely.

Literature cited by the submitters: PubMed 24362817 (cited by Variantyx, Inc. and Labcorp Genetics (formerly Invitae), Labcorp); PubMed 31980526 (cited by Variantyx, Inc.); PubMed 25335493 (cited by Labcorp Genetics (formerly Invitae), Labcorp); PubMed 25480913 (cited by Labcorp Genetics (formerly Invitae), Labcorp); PubMed 25795793 (cited by Labcorp Genetics (formerly Invitae), Labcorp); PubMed 29469822 (cited by Labcorp Genetics (formerly Invitae), Labcorp); PubMed 30368668 (cited by Labcorp Genetics (formerly Invitae), Labcorp); PubMed 30442762 (cited by Labcorp Genetics (formerly Invitae), Labcorp); PubMed 30442766 (cited by Labcorp Genetics (formerly Invitae), Labcorp); PubMed 30481304 (cited by Labcorp Genetics (formerly Invitae), Labcorp); PubMed 30859559 (cited by Labcorp Genetics (formerly Invitae), Labcorp).

NM_006767.4(LZTR1):c.238dup (p.Ile80fs)

Gene: LZTR1 (leucine zipper like post translational regulator 1; plus strand). Cytogenetic location: 22q11.21.
Variant type: Duplication.
Coding change: c.238dup on transcript NM_006767.4 (MANE Select); coding-DNA position 238, one base duplicated (A; older notation c.238dupA).
Protein change: p.Ile80fs; shifts the reading frame from isoleucine 80.
Molecular consequence: frameshift variant.
Genome position (GRCh38, 1-based): chr22:20,983,064, A duplicated. VCF-style (leftmost placement, unchanged base first): chr22-20983063-C-CA. GRCh37 (hg19) VCF-style: chr22-21337352-C-CA.
Other names: c.238dup (NM_006767.3); short protein forms I80fs.
Identifiers: ClinVar variation 2457590 (VCV002457590.7), dbSNP rs1924256984, ClinGen allele CA1024236062.